The following is an entry in ClinVar:

ClinVar aggregate classification (germline): Uncertain significance (0 of 4 stars; one submission).

Conditions:
KIDINS220-related disorder. Also called: KIDINS220-related condition.

gnomAD v4.1: 5 of 1,614,210 alleles (0.00031%); highest among the groups gnomAD compares: South Asian, 0.0055%; no homozygotes.

Submission:

PreventionGenetics, part of Exact Sciences
Classification: Uncertain significance for KIDINS220-related condition. Last evaluated: 2023-11-18. Review status: no assertion criteria provided. Collection method: clinical testing. Allele origin: germline.
Comment: The KIDINS220 c.5002C>T variant is predicted to result in the amino acid substitution p.Pro1668Ser. This variant was reported as a variant of uncertain significance in an individual with obesity; however, it did not segregate with obesity status in the family (Table S3, Kleinendorst et al. 2018. PubMed ID: 29970488). This variant is reported in 0.013% of alleles in individuals of South Asian descent in gnomAD. At this time, the clinical significance of this variant is uncertain due to the absence of conclusive functional and genetic evidence.

NM_020738.4(KIDINS220):c.5002C>T (p.Pro1668Ser)

Gene: KIDINS220 (kinase D interacting substrate 220; minus strand). Cytogenetic location: 2p25.1.
Variant type: single nucleotide variant.
Coding change: c.5002C>T on transcript NM_020738.4 (MANE Select); coding-DNA position 5002, C replaced by T.
Protein change: p.Pro1668Ser; replaces proline 1668 with serine.
Molecular consequence: missense variant. On other transcripts: intron variant (6).
Genome position (GRCh38, 1-based): chr2:8,731,034, G>A on the plus strand (C>T on the coding strand, the complement: KIDINS220 is on the minus strand). VCF-style: chr2-8731034-G-A. GRCh37 (hg19) VCF-style: chr2-8871164-G-A.
Other names: c.5005C>T, p.Pro1669Ser (NM_001348729.2); c.4948C>T, p.Pro1650Ser (NM_001348731.2); c.4945C>T, p.Pro1649Ser (NM_001348732.2); c.4834C>T, p.Pro1612Ser (NM_001348734.2); c.4831C>T, p.Pro1611Ser (NM_001348735.2); c.4705C>T, p.Pro1569Ser (NM_001348736.2); c.3882+2410C>T (NM_001348741.2, NM_001348742.2, NM_001348743.2); c.3996+2410C>T (NM_001348738.2); and 1 more; short protein forms P1569S, P1611S, P1612S, P1649S, P1650S, P1668S, P1669S.
Identifiers: ClinVar variation 3354569 (VCV003354569.1).